The following is an entry in ClinVar:

ClinVar aggregate classification (germline): Uncertain significance (1 of 4 stars; one submission).

Conditions:
Emery-Dreifuss muscular dystrophy 4, autosomal dominant (EDMD4). Also called: EMERY-DREIFUSS MUSCULAR DYSTROPHY 4 WITH VARIABLE FEATURES. Identifiers: Orphanet 261, MedGen C2751807, MONDO:0013071, OMIM 612998.
Autosomal recessive ataxia, Beauce type. Also called: SYNE1-Related Autosomal Recessive Cerebellar Ataxia; SYNE1 Deficiency; Spinocerebellar ataxia, autosomal recessive 8; ATAXIA, RECESSIVE, OF BEAUCE. Identifiers: Orphanet 88644, MedGen C1853116, MONDO:0012549, OMIM 610743.

Allele frequency attached by ClinVar (database versions not stated): gnomAD 0.00001.
gnomAD v4.1: 1 of 1,613,982 alleles (0.000062%); highest among the groups gnomAD compares: African/African-American, 0.0013%; no homozygotes.

Submission:

Labcorp Genetics (formerly Invitae), Labcorp
Classification: Uncertain significance for Emery-Dreifuss muscular dystrophy 4, autosomal dominant; Autosomal recessive ataxia, Beauce type. Last evaluated: 2022-04-10. Review status: criteria provided, single submitter. Criteria: Invitae Variant Classification Sherloc (09022015). Collection method: clinical testing. Allele origin: germline.
Comment: This sequence change replaces tryptophan, which is neutral and slightly polar, with arginine, which is basic and polar, at codon 7653 of the SYNE1 protein (p.Trp7653Arg). This variant is not present in population databases (gnomAD no frequency). This variant has not been reported in the literature in individuals affected with SYNE1-related conditions. Algorithms developed to predict the effect of missense changes on protein structure and function (SIFT, PolyPhen-2, Align-GVGD) all suggest that this variant is likely to be disruptive. In summary, the available evidence is currently insufficient to determine the role of this variant in disease. Therefore, it has been classified as a Variant of Uncertain Significance.

NM_182961.4(SYNE1):c.23170T>C (p.Trp7724Arg)

Gene: SYNE1 (spectrin repeat containing nuclear envelope protein 1; minus strand). Cytogenetic location: 6q25.2.
Variant type: single nucleotide variant.
Coding change: c.23170T>C on transcript NM_182961.4 (MANE Select); coding-DNA position 23170, T replaced by C.
Protein change: p.Trp7724Arg; replaces tryptophan 7724 with arginine.
Molecular consequence: missense variant.
Genome position (GRCh38, 1-based): chr6:152,189,383, A>G on the plus strand (T>C on the coding strand, the complement: SYNE1 is on the minus strand). VCF-style: chr6-152189383-A-G. GRCh37 (hg19) VCF-style: chr6-152510518-A-G.
Other names: c.22957T>C, p.Trp7653Arg (NM_033071.5); short protein forms W7653R, W7724R.
Identifiers: ClinVar variation 1913759 (VCV001913759.5), dbSNP rs2071523363, ClinGen allele CA366094357.